The following is an entry in ClinVar:

NM_002109.6(HARS1):c.-5C>A

Genes: HARS1 (histidyl-tRNA synthetase 1; minus strand), LOC119407423 (HARS1 and HARS2 bidirectional promoter region; plus strand). Cytogenetic location: 5q31.3.
Variant type: single nucleotide variant.
Coding change: c.-5C>A on transcript NM_002109.6 (MANE Select); 5 bases upstream of the start codon, C replaced by A.
Molecular consequence: 5 prime UTR variant.
Genome position (GRCh38, 1-based): chr5:140,691,309, G>T on the plus strand (C>A on the coding strand, the complement: HARS1 is on the minus strand). VCF-style: chr5-140691309-G-T. GRCh37 (hg19) VCF-style: chr5-140070894-G-T.
Other names: c.-5C>A (NM_001258040.3, NM_001258041.3, NM_001258042.3 and 3 more transcripts).
Identifiers: ClinVar variation 3360166 (VCV003360166.2).

ClinVar aggregate classification (germline): Uncertain significance (1 of 4 stars; one submission).

Submission:

GeneDx
Classification: Uncertain significance. Last evaluated: 2024-10-23. Review status: criteria provided, single submitter. Criteria: GeneDx Variant Classification Process June 2021. Collection method: clinical testing. Allele origin: germline.
Comment: Not observed at significant frequency in large population cohorts (gnomAD); Nucleotide is not conserved across species and the substitution has no predicted effect on splicing; Has not been previously published as pathogenic or benign to our knowledge; Alters the Kozak sequence, which plays a major role in the initiation of translation